The following is an entry in ClinVar:

ClinVar aggregate classification (germline): Uncertain significance (1 of 4 stars; one submission).

Conditions:
Primary ciliary dyskinesia. Also called: Ciliary dyskinesia. Identifiers: Orphanet 244, MedGen C0008780, MONDO:0016575, HP:0012265.

gnomAD v4.1: 82 of 1,538,142 alleles (0.0053%); highest among the groups gnomAD compares: Non-Finnish European, 0.0067%; no homozygotes.

Submission:

Labcorp Genetics (formerly Invitae), Labcorp
Classification: Uncertain significance for Primary ciliary dyskinesia. Last evaluated: 2025-03-17. Review status: criteria provided, single submitter. Criteria: Invitae Variant Classification Sherloc (09022015). Collection method: clinical testing. Allele origin: germline.
Comment: This sequence change falls in intron 8 of the DNAAF3 gene. It does not directly change the encoded amino acid sequence of the DNAAF3 protein. It affects a nucleotide within the consensus splice site. This variant is present in population databases (no rsID available, gnomAD 0.007%). This variant has not been reported in the literature in individuals affected with DNAAF3-related conditions. ClinVar contains an entry for this variant (Variation ID: 2193337). Variants that disrupt the consensus splice site are a relatively common cause of aberrant splicing (PMID: 17576681, 9536098). Algorithms developed to predict the effect of sequence changes on RNA splicing suggest that this variant is not likely to affect RNA splicing. In summary, the available evidence is currently insufficient to determine the role of this variant in disease. Therefore, it has been classified as a Variant of Uncertain Significance.

Literature cited by the submitters: PubMed 17576681; PubMed 9536098.

NM_001256715.2(DNAAF3):c.912+5G>A

Genes: DNAAF3 (dynein axonemal assembly factor 3; minus strand), DNAAF3-AS1 (DNAAF3 antisense RNA 1; plus strand). Cytogenetic location: 19q13.42.
Variant type: single nucleotide variant.
Coding change: c.912+5G>A on transcript NM_001256715.2 (MANE Select); 5 bases into the intron after coding-DNA position 912, G replaced by A.
Molecular consequence: intron variant.
Genome position (GRCh38, 1-based): chr19:55,161,060, C>T on the plus strand (G>A on the coding strand, the complement: DNAAF3 is on the minus strand). VCF-style: chr19-55161060-C-T. GRCh37 (hg19) VCF-style: chr19-55672428-C-T.
Other names: c.1053+5G>A (NM_178837.4); c.1116+5G>A (NM_001256714.1); c.750+5G>A (NM_001256716.2).
Identifiers: ClinVar variation 2193337 (VCV002193337.4), dbSNP rs1037483400, ClinGen allele CA310153394.
Genomic context (GRCh38, chr19:55,161,060, plus strand): 5'-GGGGCCTTGCGCACCCACCGACCCCCAGCCCCACCTCTACCCCCAGTCCCAGCCTCGCCG[C>T]GCACCTTGACTGGCTGGCCGTTGCTCGTCCGCAGGAGGCTCTCGTCGTCCGCTTCGATGC-3'